The following is an entry in ClinVar:

ClinVar aggregate classification (germline): Uncertain significance. Review status: criteria provided, multiple submitters, no conflicts (2 of 4 stars). 8 submissions from 8 submitters: Uncertain significance (8). Last evaluated 2025-08-31.

Conditions:
Hereditary cancer-predisposing syndrome. Also called: Neoplastic Syndromes, Hereditary; Tumor predisposition; Hereditary neoplastic syndrome; Hereditary Cancer Syndrome. Identifiers: Orphanet 140162, MedGen C0027672, MeSH D009386, MONDO:0015356.
Peutz-Jeghers syndrome (PJS). Also called: POLYPOSIS, HAMARTOMATOUS INTESTINAL; POLYPS-AND-SPOTS SYNDROME; Peutz-Jeghers polyposis; Periorificial lentiginosis syndrome. Identifiers: Orphanet 2869, MedGen C0031269, MeSH D010580, MONDO:0008280, OMIM 175200.

Allele frequency attached by ClinVar (database versions not stated): gnomAD exomes 0.00002.
gnomAD v4.1: 4 of 1,581,448 alleles (0.00025%); highest among the groups gnomAD compares: South Asian, 0.0035%; no homozygotes.

Submissions (8):

Labcorp Genetics (formerly Invitae), Labcorp
Classification: Uncertain significance for Peutz-Jeghers syndrome. Last evaluated: 2025-08-31. Review status: criteria provided, single submitter. Criteria: Invitae Variant Classification Sherloc (09022015). Collection method: clinical testing. Allele origin: germline.
Comment: This sequence change replaces glycine, which is neutral and non-polar, with tryptophan, which is neutral and slightly polar, at codon 155 of the STK11 protein (p.Gly155Trp). The frequency data for this variant in the population databases is considered unreliable, as metrics indicate poor data quality at this position in the gnomAD database. This missense change has been observed in individual(s) with breast and/or ovarian cancer (PMID: 29470806). ClinVar contains an entry for this variant (Variation ID: 527835). An algorithm developed to predict the effect of missense changes on protein structure and function (PolyPhen-2) suggests that this variant is likely to be tolerated. In summary, the available evidence is currently insufficient to determine the role of this variant in disease. Therefore, it has been classified as a Variant of Uncertain Significance.

Color Diagnostics, LLC DBA Color Health
Classification: Uncertain significance for Hereditary cancer-predisposing syndrome. Last evaluated: 2024-08-06. Review status: criteria provided, single submitter. Criteria: ACMG Guidelines, 2015. Collection method: clinical testing. Allele origin: germline.
Comment: This missense variant replaces glycine with tryptophan at codon 155 of the STK11 protein. Computational prediction is inconclusive regarding the impact of this variant on protein structure and function. To our knowledge, functional studies have not been reported for this variant. This variant has been in two individual from a cohort affected with breast and/or ovarian cancer (PMID: 29470806). This variant has been identified in 3/196374 chromosomes in the general population by the Genome Aggregation Database (gnomAD). The available evidence is insufficient to determine the role of this variant in disease conclusively. Therefore, this variant is classified as a Variant of Uncertain Significance.

Ambry Genetics
Classification: Uncertain significance for Hereditary cancer-predisposing syndrome. Last evaluated: 2024-03-08. Review status: criteria provided, single submitter. Criteria: Ambry Variant Classification Scheme 2023. Collection method: clinical testing. Allele origin: germline.
Comment: The p.G155W variant (also known as c.463G>T), located in coding exon 3 of the STK11 gene, results from a G to T substitution at nucleotide position 463. The glycine at codon 155 is replaced by tryptophan, an amino acid with highly dissimilar properties. This variant was observed in a study of 1010 unrelated Indian patients with breast and/or ovarian cancer (Singh J et al. Breast Cancer Res Treat, 2018 Jul;170:189-196). This amino acid position is highly conserved in available vertebrate species. In addition, the in silico prediction for this alteration is inconclusive. Based on the available evidence, the clinical significance of this alteration remains unclear.

All of Us Research Program, National Institutes of Health
Classification: Uncertain significance for Peutz-Jeghers syndrome. Last evaluated: 2023-12-13. Review status: criteria provided, single submitter. Criteria: ACMG Guidelines, 2015. Collection method: clinical testing. Allele origin: germline. Inheritance: Autosomal dominant inheritance. Observed: 3 variant alleles, 3 heterozygotes.
Comment: This missense variant replaces glycine with tryptophan at codon 155 of the STK11 protein. Computational prediction is inconclusive regarding the impact of this variant on protein structure and function (internally defined REVEL score threshold 0.5 < inconclusive < 0.7, PMID: 27666373). Splice site prediction tools suggest that this variant may not impact RNA splicing. To our knowledge, functional studies have not been reported for this variant. This variant has not been reported in individuals affected with hereditary cancer in the literature. This variant has been identified in 3/196374 chromosomes in the general population by the Genome Aggregation Database (gnomAD). The available evidence is insufficient to determine the role of this variant in disease conclusively. Therefore, this variant is classified as a Variant of Uncertain Significance.

This study involves interpretation of variants in research participants for the purpose of population health screening. Participant phenotype was not available at the time of variant classification. Additional details can be found in publication PMID: 35346344, PMCID: PMC8962531

Department of Pathology and Laboratory Medicine, Sinai Health System
Classification: Uncertain significance for Peutz-Jeghers syndrome. Last evaluated: 2022-09-13. Review status: criteria provided, single submitter. Criteria: ACMG Guidelines, 2015. Collection method: clinical testing. Allele origin: germline. Affected: yes.

Foundation for Research in Genetics and Endocrinology, FRIGE's Institute of Human Genetics
Classification: Uncertain significance for Peutz-Jeghers syndrome. Last evaluated: 2022-03-15. Review status: criteria provided, single submitter. Criteria: ACMG Guidelines, 2015. Collection method: clinical testing. Allele origin: germline. Inheritance: Autosomal dominant inheritance. Affected: yes. Observed: 1 heterozygote.
Comment: A heterozygous missense variation in exon 3 of the STK11 gene that results in the amino acid substitution of Tryptophan for Glycine at codon 155 was detected. The variant has previously been reported in breast and/or ovarian cancer patients [PMID: 29470806]. It lies in the protein kinase domain of the STK11_HUMAN protein. The observed variant c.155G>T (p.Gly155Trp) has not been reported in the 1000 genomes and gnomAD databases. The in silico prediction of the variant are probably damaging by PolyPhen-2 (HumDiv) and damaging by LRT and MutationTaster2. The reference codon is conserved across species. In summary, the variant meets our criteria to be classified as a variant of uncertain significance.

Genome-Nilou Lab
Classification: Uncertain significance for Peutz-Jeghers syndrome. Last evaluated: 2021-07-15. Review status: criteria provided, single submitter. Criteria: ACMG Guidelines, 2015. Collection method: clinical testing. Allele origin: germline. Affected: no.

Sema4
Classification: Uncertain significance for Hereditary cancer-predisposing syndrome. Last evaluated: 2021-06-02. Review status: criteria provided, single submitter. Criteria: Sema4 Curation Guidelines. Collection method: curation. Allele origin: germline.
Comment: The STK11 c.463G>T (p.G155W) variant has been reported in heterozygosity in at least one individuals with breast and/or ovarian cancer (PMID: 29470806). It was observed in 3/196374 chromosomes in the large and broad cohorts of the Genome Aggregation Database (PMID: 32461654). The variant has been reported in ClinVar (Variation ID 527835). In silico tools suggest the impact of the variant on protein function is inconclusive, though these predictions have not been confirmed by functional studies. The evidence is insufficient to meet ACMG/AMP criteria for classifying the variant as benign or pathogenic. Thus, the clinical significance of this variant is currently uncertain.

Literature cited by the submitters: PubMed 29470806 (cited by 5 submitters).

NM_000455.5(STK11):c.463G>T (p.Gly155Trp)

Gene: STK11 (serine/threonine kinase 11; plus strand). Cytogenetic location: 19p13.3.
Variant type: single nucleotide variant.
Coding change: c.463G>T on transcript NM_000455.5 (MANE Select); coding-DNA position 463, G replaced by T.
Protein change: p.Gly155Trp; replaces glycine 155 with tryptophan.
Molecular consequence: missense variant.
Genome position (GRCh38, 1-based): chr19:1,219,412, G>T. VCF-style: chr19-1219412-G-T. GRCh37 (hg19) VCF-style: chr19-1219411-G-T.
Other names: p.Gly155Trp; short protein forms G155W.
Identifiers: ClinVar variation 527835 (VCV000527835.25), dbSNP rs763353991, ClinGen allele CA047668.